The following is an entry in ClinVar:

NM_001042492.3(NF1):c.1953A>G (p.Leu651=)

Gene: NF1 (neurofibromin 1; plus strand). Cytogenetic location: 17q11.2.
Variant type: single nucleotide variant.
Coding change: c.1953A>G on transcript NM_001042492.3 (MANE Select); coding-DNA position 1953, A replaced by G.
Protein change: p.Leu651=; no amino-acid change (leucine 651 retained).
Molecular consequence: synonymous variant.
Genome position (GRCh38, 1-based): chr17:31,225,202, A>G. VCF-style: chr17-31225202-A-G. GRCh37 (hg19) VCF-style: chr17-29552220-A-G.
Other names: c.1953A>G, p.Leu651= (NM_000267.4).
Identifiers: ClinVar variation 484065 (VCV000484065.14), dbSNP rs1298717179, ClinGen allele CA499231721.

ClinVar aggregate classification (germline): Benign/Likely benign. Review status: criteria provided, multiple submitters, no conflicts (2 of 4 stars). 5 submissions from 5 submitters: Benign (1); Likely benign (4). Last evaluated 2026-09-28.

Conditions:
Cardiovascular phenotype. Identifiers: MedGen CN230736.
Hereditary cancer-predisposing syndrome. Also called: Tumor predisposition; Neoplastic Syndromes, Hereditary; Hereditary Cancer Syndrome; Hereditary neoplastic syndrome. Identifiers: Orphanet 140162, MedGen C0027672, MeSH D009386, MONDO:0015356.
Neurofibromatosis, type 1 (NF1). Also called: NEUROFIBROMATOSIS, TYPE I, SOMATIC; Peripheral type neurofibromatosis; VON RECKLINGHAUSEN DISEASE; Neurofibromatosis, type I. Identifiers: Orphanet 636, MedGen C0027831, MONDO:0018975, OMIM 162200. Disease mechanism: loss of function.

Allele frequency attached by ClinVar (database versions not stated): gnomAD exomes below 0.00001.
gnomAD v4.1: 3 of 1,613,824 alleles (0.00019%); highest among the groups gnomAD compares: Admixed American, 0.0017%; no homozygotes.

Submissions (5):

Myriad Genetics, Inc.
Classification: Benign for Neurofibromatosis, type 1. Last evaluated: 2026-09-28. Review status: criteria provided, single submitter. Criteria: Myriad Autosomal Dominant, Autosomal Recessive and X-Linked Classification Criteria (2023). Collection method: clinical testing. Allele origin: unknown.
Comment: This variant is considered benign. This variant is a silent/synonymous amino acid change and it is not expected to impact splicing.

Women's Health and Genetics/Laboratory Corporation of America, LabCorp
Classification: Likely benign. Last evaluated: 2026-05-13. Review status: criteria provided, single submitter. Criteria: LabCorp Variant Classification Summary - May 2015. Collection method: clinical testing. Allele origin: germline.

Labcorp Genetics (formerly Invitae), Labcorp
Classification: Likely benign for Neurofibromatosis, type 1. Last evaluated: 2025-10-13. Review status: criteria provided, single submitter. Criteria: Invitae Variant Classification Sherloc (09022015). Collection method: clinical testing. Allele origin: germline.

Genome-Nilou Lab
Classification: Likely benign for Neurofibromatosis, type 1. Last evaluated: 2022-03-15. Review status: criteria provided, single submitter. Criteria: ACMG Guidelines, 2015. Collection method: clinical testing. Allele origin: germline. Affected: no.

Ambry Genetics
Classification: Likely benign for Cardiovascular phenotype; Hereditary cancer-predisposing syndrome. Last evaluated: 2016-10-12. Review status: criteria provided, single submitter. Criteria: Ambry Variant Classification Scheme 2023. Collection method: clinical testing. Allele origin: germline.